The following is an entry in ClinVar:

NM_005570.4(LMAN1):c.351A>G (p.Arg117=)

Gene: LMAN1 (lectin, mannose binding 1; minus strand). Cytogenetic location: 18q21.32.
Variant type: single nucleotide variant.
Coding change: c.351A>G on transcript NM_005570.4 (MANE Select); coding-DNA position 351, A replaced by G.
Protein change: p.Arg117=; no amino-acid change (arginine 117 retained).
Molecular consequence: synonymous variant.
Genome position (GRCh38, 1-based): chr18:59,355,522, T>C on the plus strand (A>G on the coding strand, the complement: LMAN1 is on the minus strand). VCF-style: chr18-59355522-T-C. GRCh37 (hg19) VCF-style: chr18-57022754-T-C.
Other names: p.Arg117=.
Identifiers: ClinVar variation 259795 (VCV000259795.11), dbSNP rs1127220, ClinGen allele CA8980010.
Genomic context (GRCh38, chr18:59,355,522, plus strand): 5'-ATGCATTTATGCACATTTTCTAAGTTAAAGAAATGATCATACTAGGCCATCAGCTCCAAT[T>C]CGACCTCTTCCAGTCACTCGAAATGTCACCTCAACTTCCCAGTTCTCAAAGGCCGCTTTT-3'
Protein context (NP_005561.1, residues 107-127): EVTFRVTGRG[Arg117=]IGADGLAIWY

ClinVar aggregate classification (germline): Benign/Likely benign. Review status: criteria provided, multiple submitters, no conflicts (2 of 4 stars). 7 submissions from 7 submitters: Benign (6); Likely benign (1). Last evaluated 2026-02-01.

Conditions:
Factor V and factor VIII, combined deficiency of, type 1. Also called: FAMILIAL MULTIPLE COAGULATION FACTOR DEFICIENCY I; FMFD I; MULTIPLE COAGULATION FACTOR DEFICIENCY I; Combined factor V and VIII deficiency. Identifiers: Orphanet 35909, MedGen C4551981, MONDO:0009206, OMIM 227300.

Allele frequency attached by ClinVar (database versions not stated): 1000 Genomes Project 0.17272; 1000 Genomes Project 30x 0.17473; ExAC 0.22157; gnomAD 0.23161 and 0.23450; TOPMed 0.23214; ESP Exome Variant Server 0.24296.
gnomAD v4.1: 402,695 of 1,613,814 alleles (25%); highest among the groups gnomAD compares: Middle Eastern, 27%; 52,145 homozygotes.

Submissions (7):

Labcorp Genetics (formerly Invitae), Labcorp
Classification: Benign. Last evaluated: 2026-02-01. Review status: criteria provided, single submitter. Criteria: Invitae Variant Classification Sherloc (09022015). Collection method: clinical testing. Allele origin: germline.

Blueprint Genetics
Classification: Likely benign. Last evaluated: 2024-11-28. Review status: criteria provided, single submitter. Criteria: ACMG Guidelines, 2015. Collection method: clinical testing. Allele origin: germline.

Mayo Clinic Laboratories, Mayo Clinic
Classification: Benign. Last evaluated: 2022-09-29. Review status: criteria provided, single submitter. Criteria: ACMG Guidelines, 2015. Collection method: clinical testing. Allele origin: germline. Observed: 44 variant alleles.

GeneDx
Classification: Benign. Last evaluated: 2021-06-09. Review status: criteria provided, single submitter. Criteria: GeneDx Variant Classification Process June 2021. Collection method: clinical testing. Allele origin: germline. Affected: yes.

Illumina Laboratory Services, Illumina
Classification: Benign for Factor V and factor VIII, combined deficiency of, type 1. Last evaluated: 2018-01-13. Review status: criteria provided, single submitter. Criteria: ICSL Variant Classification Criteria 13 December 2019. Collection method: clinical testing. Allele origin: germline.
Comment: This variant was observed in the ICSL laboratory as part of a predisposition screen in an ostensibly healthy population. It had not been previously curated by ICSL or reported in the Human Gene Mutation Database (HGMD: prior to June 1st, 2018), and was therefore a candidate for classification through an automated scoring system. Utilizing variant allele frequency, disease prevalence and penetrance estimates, and inheritance mode, an automated score was calculated to assess if this variant is too frequent to cause the disease. Based on the score and internal cut-off values, a variant classified as benign is not then subjected to further curation. The score for this variant resulted in a classification of benign for this disease.

Breakthrough Genomics
Classification: Benign. Review status: criteria provided, single submitter. Criteria: ACMG Guidelines, 2015. Collection method: not provided. Allele origin: germline. Inheritance: Autosomal recessive inheritance. Affected: yes.

PreventionGenetics, part of Exact Sciences
Classification: Benign. Review status: criteria provided, single submitter. Criteria: ACMG Guidelines, 2015. Collection method: clinical testing. Allele origin: germline.